The following is an entry in ClinVar:

NM_001291867.2(NHS):c.3447del (p.Glu1150fs)

Gene: NHS (NHS actin remodeling regulator; plus strand). Cytogenetic location: Xp22.13.
Variant type: Deletion.
Coding change: c.3447del on transcript NM_001291867.2 (MANE Select); coding-DNA position 3447, one base deleted (T; older notation c.3447delT).
Protein change: p.Glu1150fs; shifts the reading frame from glutamic acid 1150.
Molecular consequence: frameshift variant.
Genome position (GRCh38, 1-based): chrX:17,727,553, T deleted. VCF-style (leftmost placement, unchanged base first): chrX-17727552-CT-C. GRCh37 (hg19) VCF-style: chrX-17745672-CT-C.
Other names: c.2916del, p.Glu973fs (NM_001136024.4); c.2853del, p.Glu952fs (NM_001291868.2); c.3384del, p.Glu1129fs (NM_198270.4); c.3384delT (NM_198270.3); short protein forms E1150fs, E1129fs, E952fs, E973fs.
Identifiers: ClinVar variation 503897 (VCV000503897.3), dbSNP rs1556039548, ClinGen allele CA658799593.

ClinVar aggregate classification (germline): Pathogenic/Likely pathogenic. Review status: criteria provided, multiple submitters, no conflicts (2 of 4 stars). 2 submissions from 2 submitters: Pathogenic (1); Likely pathogenic (1). Last evaluated 2025-11-10.

Conditions:
NHS-related disorder. Also called: NHS-related condition.

Submissions (2):

PreventionGenetics, part of Exact Sciences
Classification: Likely pathogenic for NHS-related condition. Last evaluated: 2025-11-10. Review status: criteria provided, single submitter. Criteria: ACMG Guidelines, 2015. Collection method: clinical testing. Allele origin: germline.
Comment: The NHS c.3384delT variant is predicted to result in a frameshift and premature protein termination (p.Glu1129Lysfs*16). To our knowledge, this variant has not been reported in the literature or in a large population database (gnomAD), indicating this variant is rare. Frameshift variants in NHS are expected to be pathogenic. This variant is interpreted as likely pathogenic.

GeneDx
Classification: Pathogenic. Last evaluated: 2017-12-07. Review status: criteria provided, single submitter. Criteria: GeneDx Variant Classification (06012015). Collection method: clinical testing. Allele origin: germline. Affected: yes.
Comment: The c.3384delT variant in the NHS gene has not been reported previously as a pathogenic variant noras a benign variant, to our knowledge. The c.3384delT variant causes a frameshift starting with codonGlutamine 1129, changes this amino acid to a Lysine residue, and creates a premature Stop codon atposition 16 of the new reading frame, denoted p.Glu1129LysfsX16. This variant is predicted to causeloss of normal protein function either through protein truncation or nonsense-mediated mRNA decay.The c.3384delT variant is not observed in large population cohorts (Lek et al., 2016). We interpretc.3384delT as a pathogenic variant.